The following is an entry in ClinVar:

NM_207361.6(FREM2):c.6959T>G (p.Val2320Gly)

Gene: FREM2 (FRAS1 related extracellular matrix 2; plus strand). Cytogenetic location: 13q13.3.
Variant type: single nucleotide variant.
Coding change: c.6959T>G on transcript NM_207361.6 (MANE Select); coding-DNA position 6959, T replaced by G.
Protein change: p.Val2320Gly; replaces valine 2320 with glycine.
Molecular consequence: missense variant.
Genome position (GRCh38, 1-based): chr13:38,856,159, T>G. VCF-style: chr13-38856159-T-G. GRCh37 (hg19) VCF-style: chr13-39430296-T-G.
Other names: c.6959T>G (NM_207361.4); short protein forms V2320G.
Identifiers: ClinVar variation 2058287 (VCV002058287.6), dbSNP rs751649473, ClinGen allele CA6955729.

ClinVar aggregate classification (germline): Uncertain significance. Review status: criteria provided, multiple submitters, no conflicts (2 of 4 stars). 4 submissions from 4 submitters: Uncertain significance (4). Last evaluated 2024-08-20.

Conditions:
Fraser syndrome 2 (FRASRS2). Identifiers: MedGen C4540036, MONDO:0054738, OMIM 617666.
Isolated cryptophthalmia. Also called: ANKYLOBLEPHARON, SIMPLE; Cryptophthalmos, unilateral or bilateral, isolated. Identifiers: Orphanet 91396, MedGen C1852453, MONDO:0007410, OMIM 123570.
Inborn genetic diseases. Identifiers: MedGen C0950123, MeSH D030342.

Allele frequency attached by ClinVar (database versions not stated): ExAC 0.00005; TOPMed 0.00005; gnomAD 0.00006; gnomAD exomes 0.00006.
gnomAD v4.1: 95 of 1,611,354 alleles (0.0059%); highest among the groups gnomAD compares: Non-Finnish European, 0.0073%; no homozygotes.

Submissions (4):

Ambry Genetics
Classification: Uncertain significance for Inborn genetic diseases. Last evaluated: 2024-08-20. Review status: criteria provided, single submitter. Criteria: Ambry Variant Classification Scheme 2023. Collection method: clinical testing. Allele origin: germline.

GeneDx
Classification: Uncertain significance. Last evaluated: 2024-06-24. Review status: criteria provided, single submitter. Criteria: GeneDx Variant Classification Process June 2021. Collection method: clinical testing. Allele origin: germline. Affected: yes.
Comment: In silico analysis supports that this missense variant has a deleterious effect on protein structure/function; Has not been previously published as pathogenic or benign to our knowledge

Fulgent Genetics
Classification: Uncertain significance for Isolated cryptophthalmia; Fraser syndrome 2. Last evaluated: 2024-05-30. Review status: criteria provided, single submitter. Criteria: ACMG Guidelines, 2015. Collection method: clinical testing. Allele origin: germline.

Labcorp Genetics (formerly Invitae), Labcorp
Classification: Uncertain significance. Last evaluated: 2023-12-07. Review status: criteria provided, single submitter. Criteria: Invitae Variant Classification Sherloc (09022015). Collection method: clinical testing. Allele origin: germline.
Comment: This sequence change replaces valine, which is neutral and non-polar, with glycine, which is neutral and non-polar, at codon 2320 of the FREM2 protein (p.Val2320Gly). This variant is present in population databases (rs751649473, gnomAD 0.01%). This variant has not been reported in the literature in individuals affected with FREM2-related conditions. ClinVar contains an entry for this variant (Variation ID: 2058287). Advanced modeling of protein sequence and biophysical properties (such as structural, functional, and spatial information, amino acid conservation, physicochemical variation, residue mobility, and thermodynamic stability) performed at Invitae indicates that this missense variant is not expected to disrupt FREM2 protein function with a negative predictive value of 80%. In summary, the available evidence is currently insufficient to determine the role of this variant in disease. Therefore, it has been classified as a Variant of Uncertain Significance.